The following is an entry in ClinVar:

NM_017617.5(NOTCH1):c.619C>T (p.Arg207Cys)

Gene: NOTCH1 (notch receptor 1; minus strand). Cytogenetic location: 9q34.3.
Variant type: single nucleotide variant.
Coding change: c.619C>T on transcript NM_017617.5 (MANE Select); coding-DNA position 619, C replaced by T.
Protein change: p.Arg207Cys; replaces arginine 207 with cysteine.
Molecular consequence: missense variant.
Genome position (GRCh38, 1-based): chr9:136,522,973, G>A on the plus strand (C>T on the coding strand, the complement: NOTCH1 is on the minus strand). VCF-style: chr9-136522973-G-A. GRCh37 (hg19) VCF-style: chr9-139417425-G-A.
Other names: c.619C>T (NM_017617.3, NM_017617.4); short protein forms R207C.
Identifiers: ClinVar variation 2164530 (VCV002164530.7), dbSNP rs748300035, ClinGen allele CA375569813.

ClinVar aggregate classification (germline): Uncertain significance. Review status: criteria provided, multiple submitters, no conflicts (2 of 4 stars). 4 submissions from 4 submitters: Uncertain significance (4). Last evaluated 2023-08-21.

Conditions:
Adams-Oliver syndrome 5 (AOS5). Identifiers: Orphanet 974, MedGen C4014970, MONDO:0014459, OMIM 616028.
NOTCH1-related disorder. Also called: NOTCH1-related condition; NOTCH1-related disorders.

gnomAD v4.1: 3 of 1,558,202 alleles (0.00019%); highest among the groups gnomAD compares: Non-Finnish European, 0.00026%; no homozygotes.

Submissions (4):

PreventionGenetics, part of Exact Sciences
Classification: Uncertain significance for NOTCH1-related condition. Last evaluated: 2023-08-21. Review status: criteria provided, single submitter. Criteria: ACMG Guidelines, 2015. Collection method: clinical testing. Allele origin: germline.
Comment: The NOTCH1 c.619C>T variant is predicted to result in the amino acid substitution p.Arg207Cys. To our knowledge, this variant has not been reported in the literature or in a large population database, indicating this variant is rare. At this time, the clinical significance of this variant is uncertain due to the absence of conclusive functional and genetic evidence.

Blueprint Genetics
Classification: Uncertain significance. Last evaluated: 2023-01-13. Review status: criteria provided, single submitter. Criteria: ACMG Guidelines, 2015. Collection method: clinical testing. Allele origin: germline.

GeneDx
Classification: Uncertain significance. Last evaluated: 2022-10-07. Review status: criteria provided, single submitter. Criteria: GeneDx Variant Classification Process June 2021. Collection method: clinical testing. Allele origin: germline. Affected: yes.
Comment: Has not been previously published as pathogenic or benign to our knowledge; Not observed at significant frequency in large population cohorts (gnomAD); In silico analysis supports that this missense variant does not alter protein structure/function

Labcorp Genetics (formerly Invitae), Labcorp
Classification: Uncertain significance for Adams-Oliver syndrome 5. Last evaluated: 2022-05-28. Review status: criteria provided, single submitter. Criteria: Invitae Variant Classification Sherloc (09022015). Collection method: clinical testing. Allele origin: germline.
Comment: This sequence change replaces arginine, which is basic and polar, with cysteine, which is neutral and slightly polar, at codon 207 of the NOTCH1 protein (p.Arg207Cys). This variant is not present in population databases (gnomAD no frequency). This variant has not been reported in the literature in individuals affected with NOTCH1-related conditions. Advanced modeling of protein sequence and biophysical properties (such as structural, functional, and spatial information, amino acid conservation, physicochemical variation, residue mobility, and thermodynamic stability) performed at Invitae indicates that this missense variant is not expected to disrupt NOTCH1 protein function. In summary, the available evidence is currently insufficient to determine the role of this variant in disease. Therefore, it has been classified as a Variant of Uncertain Significance.